The following is an entry in ClinVar:

ClinVar aggregate classification (germline): Benign/Likely benign. Review status: criteria provided, multiple submitters, no conflicts (2 of 4 stars). 5 submissions from 5 submitters: Benign (4); Likely benign (1). Last evaluated 2026-02-04.

Conditions:
Patterned macular dystrophy 2. Identifiers: Orphanet 99001, MedGen C1837029, MONDO:0012162, OMIM 608970.
Hereditary diffuse gastric adenocarcinoma (HDGC). Also called: DIFFUSE GASTRIC AND LOBULAR BREAST CANCER SYNDROME. Identifiers: Orphanet 26106, MedGen C1708349, MONDO:0007648, OMIM 137215.

Allele frequency attached by ClinVar (database versions not stated): gnomAD exomes 0.00094 and 0.00272; ExAC 0.00351; 1000 Genomes Project 0.00938; 1000 Genomes Project 30x 0.00953; gnomAD 0.01064 and 0.01143; TOPMed 0.01151; ESP Exome Variant Server 0.01253.
gnomAD v4.1: 3,028 of 1,613,140 alleles (0.19%); highest among the groups gnomAD compares: African/African-American, 3.6%; 50 homozygotes.

Submissions (5):

Labcorp Genetics (formerly Invitae), Labcorp
Classification: Benign. Last evaluated: 2026-02-04. Review status: criteria provided, single submitter. Criteria: Invitae Variant Classification Sherloc (09022015). Collection method: clinical testing. Allele origin: germline.

Center for Genomic Medicine, Rigshospitalet, Copenhagen University Hospital
Classification: Benign. Last evaluated: 2025-03-04. Review status: criteria provided, single submitter. Criteria: ACMG Guidelines, 2015. Collection method: clinical testing. Allele origin: germline.

Myriad Genetics, Inc.
Classification: Benign for Hereditary diffuse gastric adenocarcinoma. Last evaluated: 2024-10-11. Review status: criteria provided, single submitter. Criteria: Myriad Autosomal Dominant, Autosomal Recessive and X-Linked Classification Criteria (2023). Collection method: clinical testing. Allele origin: unknown.
Comment: This variant is considered benign. This variant is intronic and is not expected to impact mRNA splicing. This variant has been observed at a population frequency that is significantly greater than expected given the associated disease prevalence and penetrance.

Department of Pathology and Laboratory Medicine, Sinai Health System
Classification: Benign for Patterned macular dystrophy 2. Last evaluated: 2023-05-30. Review status: criteria provided, single submitter. Criteria: ACMG Guidelines, 2015. Collection method: clinical testing. Allele origin: germline. Affected: yes.

GeneDx
Classification: Likely benign. Last evaluated: 2021-06-17. Review status: criteria provided, single submitter. Criteria: GeneDx Variant Classification Process June 2021. Collection method: clinical testing. Allele origin: germline. Affected: yes.

NM_001903.5(CTNNA1):c.1390-11A>G

Gene: CTNNA1 (catenin alpha 1; plus strand). Cytogenetic location: 5q31.2.
Variant type: single nucleotide variant.
Coding change: c.1390-11A>G on transcript NM_001903.5 (MANE Select); 11 bases into the intron before coding-DNA position 1390, A replaced by G.
Molecular consequence: intron variant.
Genome position (GRCh38, 1-based): chr5:138,917,731, A>G. VCF-style: chr5-138917731-A-G. GRCh37 (hg19) VCF-style: chr5-138253420-A-G.
Other names: c.1390-11A>G (NM_001323982.2, NM_001323984.2, NM_001290307.3 and 2 more transcripts); c.1297-11A>G (NM_001323986.2); c.1021-11A>G (NM_001290310.3); c.1081-11A>G (NM_001290309.3); c.280-11A>G (NM_001323996.1, NM_001323993.1, NM_001324005.1 and 17 more transcripts); c.-60-11A>G (NM_001324007.1, NM_001324010.1, NM_001324009.1 and 2 more transcripts); c.187-11A>G (NM_001324011.1); c.37-11A>G (NM_001324012.1, NM_001324013.1).
Identifiers: ClinVar variation 1167016 (VCV001167016.14), dbSNP rs28363461, ClinGen allele CA3431947.